The following is an entry in ClinVar:

NM_001012720.2(RGR):c.600G>T (p.Glu200Asp)

Gene: RGR (retinal G protein coupled receptor; plus strand). Cytogenetic location: 10q23.1.
Variant type: single nucleotide variant.
Coding change: c.600G>T on transcript NM_001012720.2 (MANE Select); coding-DNA position 600, G replaced by T.
Protein change: p.Glu200Asp; replaces glutamic acid 200 with aspartic acid.
Molecular consequence: missense variant.
Genome position (GRCh38, 1-based): chr10:84,254,413, G>T. VCF-style: chr10-84254413-G-T. GRCh37 (hg19) VCF-style: chr10-86014169-G-T.
Other names: c.600G>T, p.Glu200Asp (NM_001012722.2); c.612G>T, p.Glu204Asp (NM_002921.4); short protein forms E200D, E204D.
Identifiers: ClinVar variation 3377651 (VCV003377651.1).

ClinVar aggregate classification (germline): Uncertain significance (1 of 4 stars; one submission).

Conditions:
Retinitis pigmentosa 44 (RP44). Identifiers: Orphanet 791, MedGen C3151068, MONDO:0013414, OMIM 613769.

gnomAD v4.1: 9 of 1,614,150 alleles (0.00056%); highest among the groups gnomAD compares: South Asian, 0.0099%; no homozygotes.

Submission:

Neuberg Centre For Genomic Medicine, NCGM
Classification: Uncertain significance for Retinitis pigmentosa 44. Review status: criteria provided, single submitter. Criteria: ACMG Guidelines, 2015. Collection method: clinical testing. Allele origin: germline. Inheritance: Autosomal recessive inheritance. Affected: yes.
Comment: The observed missense variant c.600G>T(p.Glu200Asp) in the RGR gene has not been reported previously as a pathogenic variant nor as a benign variant, to our knowledge. This variant is absent in the gnomAD Exomes. The amino acid Glu at position 200 is changed to a Asp changing protein sequence and it might alter its composition and physico-chemical properties. Multiple lines of computational evidence (Polyphen - Damaging, SIFT - Damaging and MutationTaster - Disease causing) predict a damaging effect on protein structure and function for this variant. The residue is conserved by GERP++ and PhyloP across 100 vertebrates. For these reasons, this variant has been classified as Uncertain Significance.